The following is an entry in ClinVar:

NM_000179.3(MSH6):c.2238T>C (p.Phe746=)

Gene: MSH6 (mutS homolog 6; plus strand). Cytogenetic location: 2p16.3.
Variant type: single nucleotide variant.
Coding change: c.2238T>C on transcript NM_000179.3 (MANE Select); coding-DNA position 2238, T replaced by C.
Protein change: p.Phe746=; no amino-acid change (phenylalanine 746 retained).
Molecular consequence: synonymous variant.
Genome position (GRCh38, 1-based): chr2:47,800,221, T>C. VCF-style: chr2-47800221-T-C. GRCh37 (hg19) VCF-style: chr2-48027360-T-C.
Other names: c.1848T>C, p.Phe616= (NM_001281492.2); c.1332T>C, p.Phe444= (NM_001281493.2, NM_001281494.2).
Identifiers: ClinVar variation 926403 (VCV000926403.5), dbSNP rs1384756767, ClinGen allele CA426121348.

ClinVar aggregate classification (germline): Benign/Likely benign. Review status: criteria provided, multiple submitters, no conflicts (2 of 4 stars). 4 submissions from 4 submitters: Benign (1); Likely benign (2). 1 of the submissions does not count toward it. Last evaluated 2024-12-30.

Conditions:
Lynch syndrome 5 (LYNCH5). Also called: Colorectal cancer, hereditary nonpolyposis, type 5; Hereditary non-polyposis colorectal cancer, type 5. Identifiers: Orphanet 144, MedGen C1833477, MONDO:0013710, OMIM 614350. Disease mechanism: loss of function.
Hereditary cancer-predisposing syndrome. Also called: Neoplastic Syndromes, Hereditary; Tumor predisposition; Hereditary Cancer Syndrome; Hereditary neoplastic syndrome. Identifiers: Orphanet 140162, MedGen C0027672, MeSH D009386, MONDO:0015356.
Lynch syndrome. Identifiers: Orphanet 144, MedGen C4552100, MONDO:0005835. Disease mechanism: loss of function.

Allele frequency attached by ClinVar (database versions not stated): gnomAD exomes below 0.00001.
gnomAD v4.1: 2 of 1,614,178 alleles (0.00012%); highest among the groups gnomAD compares: Admixed American, 0.0017%; no homozygotes.

Submissions (4):

Myriad Genetics, Inc.
Classification: Benign for Lynch syndrome 5. Last evaluated: 2024-12-30. Review status: criteria provided, single submitter. Criteria: Myriad Autosomal Dominant, Autosomal Recessive and X-Linked Classification Criteria (2023). Collection method: clinical testing. Allele origin: unknown.
Comment: This variant is considered benign. This variant is a silent/synonymous amino acid change and it is not expected to impact splicing.

All of Us Research Program, National Institutes of Health
Classification: Likely benign for Lynch syndrome. Last evaluated: 2024-09-23. Review status: criteria provided, single submitter. Criteria: ACMG Guidelines, 2015. Collection method: clinical testing. Allele origin: germline. Inheritance: Autosomal dominant inheritance. Observed: 2 variant alleles, 2 heterozygotes.
Comment: This study involves interpretation of variants in research participants for the purpose of population health screening. Participant phenotype was not available at the time of variant classification. Additional details can be found in publication PMID: 35346344, PMCID: PMC8962531

Color Diagnostics, LLC DBA Color Health
Classification: Likely benign for Hereditary cancer-predisposing syndrome. Last evaluated: 2018-12-03. Review status: criteria provided, single submitter. Criteria: ACMG Guidelines, 2015. Collection method: clinical testing. Allele origin: germline.

Department of Pathology and Laboratory Medicine, Sinai Health System
Classification: Likely benign for Lynch syndrome. Review status: no assertion criteria provided. Collection method: clinical testing. Allele origin: unknown. Affected: yes. Observed: 1 variant allele. Study: The Canadian Open Genetics Repository (COGR). Not counted in ClinVar's aggregate classification.
Comment: The MSH6 p.Phe746= variant was not identified in the literature nor was it identified in the dbSNP, ClinVar, or UMD-LSDB databases. The variant was identified in control databases in 1 of 245650 chromosomes at a frequency of 0.000004 (Genome Aggregation Database Feb 27, 2017). The variant was observed in the Latino population in 1 of 33568 chromosomes (freq: 0.00003), while the variant was not observed in the African, Other, European, Ashkenazi Jewish, East Asian, Finnish, or South Asian populations. The p.Phe746= variant is not expected to have clinical significance because it does not result in a change of amino acid and is not located in a known consensus splice site. In addition, in silico or computational prediction software programs (SpliceSiteFinder, MaxEntScan, NNSPLICE, GeneSplicer) do not predict a difference in splicing. In summary, based on the above information, the clinical significance of this variant cannot be determined with certainty at this time although we would lean towards a more benign role for this variant. This variant is classified as likely benign.